The following is an entry in ClinVar:

NM_144670.6(A2ML1):c.2057C>G (p.Ala686Gly)

Gene: A2ML1 (alpha-2-macroglobulin like 1; plus strand). Cytogenetic location: 12p13.31.
Variant type: single nucleotide variant.
Coding change: c.2057C>G on transcript NM_144670.6 (MANE Select); coding-DNA position 2057, C replaced by G.
Protein change: p.Ala686Gly; replaces alanine 686 with glycine.
Molecular consequence: missense variant.
Genome position (GRCh38, 1-based): chr12:8,849,697, C>G. VCF-style: chr12-8849697-C-G. GRCh37 (hg19) VCF-style: chr12-9002293-C-G.
Other names: c.584C>G, p.Ala195Gly (NM_001282424.3); short protein forms A686G, A195G.
Identifiers: ClinVar variation 1785147 (VCV001785147.2), dbSNP rs1943822142, ClinGen allele CA383831798.

ClinVar aggregate classification (germline): Uncertain significance (1 of 4 stars; one submission).

Submission:

Ambry Genetics
Classification: Uncertain significance. Last evaluated: 2021-09-07. Review status: criteria provided, single submitter. Criteria: Ambry Variant Classification Scheme 2023. Collection method: clinical testing. Allele origin: germline.
Comment: The p.A686G variant (also known as c.2057C>G), located in coding exon 17 of the A2ML1 gene, results from a C to G substitution at nucleotide position 2057. The alanine at codon 686 is replaced by glycine, an amino acid with similar properties. This amino acid position is conserved. In addition, this alteration is predicted to be tolerated by in silico analysis. Since supporting evidence is limited at this time, the clinical significance of this alteration remains unclear.